The following is an entry in ClinVar:

ClinVar aggregate classification (germline): Likely pathogenic. Review status: criteria provided, multiple submitters, no conflicts (2 of 4 stars). 3 submissions from 3 submitters: Likely pathogenic (3). Last evaluated 2026-08-21.

Conditions:
CD3G-related disorder. Also called: CD3G-related condition.
Combined immunodeficiency due to CD3gamma deficiency. Also called: CD3-GAMMA DEFICIENCY; SCID-LIKE IMMUNODEFICIENCY, T CELL-PARTIAL, B CELL-POSITIVE, NK CELL-POSITIVE; Immunodeficiency 17, CD3 gamma deficient; Immunodeficiency 17. Identifiers: Orphanet 169082, MedGen C3810107, MONDO:0014276, OMIM 615607.

gnomAD v4.1: 19 of 1,564,264 alleles (0.0012%); highest among the groups gnomAD compares: Non-Finnish European, 0.0016%; no homozygotes.

Submissions (3):

PreventionGenetics, part of Exact Sciences
Classification: Likely pathogenic for CD3G-related condition. Last evaluated: 2026-08-21. Review status: criteria provided, single submitter. Criteria: ACMG Guidelines, 2015. Collection method: clinical testing. Allele origin: germline.
Comment: The CD3G c.55+1G>T variant is predicted to disrupt the GT donor site and interfere with normal splicing. To our knowledge, this variant has not been reported in the literature. This variant is reported in 0.0014% of alleles in individuals of European (Non-Finnish) descent in gnomAD. Variants that disrupt the consensus splice donor site in CD3G are expected to be pathogenic. This variant is interpreted as likely pathogenic.

Labcorp Genetics (formerly Invitae), Labcorp
Classification: Likely pathogenic for Combined immunodeficiency due to CD3gamma deficiency. Last evaluated: 2025-06-25. Review status: criteria provided, single submitter. Criteria: Invitae Variant Classification Sherloc (09022015). Collection method: clinical testing. Allele origin: germline.
Comment: This sequence change affects a donor splice site in intron 1 of the CD3G gene. It is expected to disrupt RNA splicing. Variants that disrupt the donor or acceptor splice site typically lead to a loss of protein function (PMID: 16199547), and loss-of-function variants in CD3G are known to be pathogenic (PMID: 1635567, 17277165, 24910257). The frequency data for this variant in the population databases is considered unreliable, as metrics indicate poor data quality at this position in the gnomAD database. This variant has not been reported in the literature in individuals affected with CD3G-related conditions. ClinVar contains an entry for this variant (Variation ID: 3599122). Algorithms developed to predict the effect of sequence changes on RNA splicing suggest that this variant may disrupt the consensus splice site. In summary, the currently available evidence indicates that the variant is pathogenic, but additional data are needed to prove that conclusively. Therefore, this variant has been classified as Likely Pathogenic.

Fulgent Genetics
Classification: Likely pathogenic for Combined immunodeficiency due to CD3gamma deficiency. Last evaluated: 2024-05-02. Review status: criteria provided, single submitter. Criteria: ACMG Guidelines, 2015. Collection method: clinical testing. Allele origin: germline.

Literature cited by the submitters: PubMed 16199547 (cited by Labcorp Genetics (formerly Invitae), Labcorp); PubMed 1635567 (cited by Labcorp Genetics (formerly Invitae), Labcorp); PubMed 17277165 (cited by Labcorp Genetics (formerly Invitae), Labcorp); PubMed 24910257 (cited by Labcorp Genetics (formerly Invitae), Labcorp).

NM_000073.3(CD3G):c.55+1G>T

Gene: CD3G (CD3 gamma subunit of T-cell receptor complex; plus strand). Cytogenetic location: 11q23.3.
Variant type: single nucleotide variant.
Coding change: c.55+1G>T on transcript NM_000073.3 (MANE Select); the canonical splice donor site of the intron after coding-DNA position 55, G replaced by T.
Molecular consequence: splice donor variant.
Genome position (GRCh38, 1-based): chr11:118,344,479, G>T. VCF-style: chr11-118344479-G-T. GRCh37 (hg19) VCF-style: chr11-118215194-G-T.
Other names: c.55+1G>T (NM_000073.2).
Identifiers: ClinVar variation 3599122 (VCV003599122.3).